The following is an entry in ClinVar:

NM_004415.4(DSP):c.3401A>C (p.Gln1134Pro)

Gene: DSP (desmoplakin; plus strand). Cytogenetic location: 6p24.3.
Variant type: single nucleotide variant.
Coding change: c.3401A>C on transcript NM_004415.4 (MANE Select); coding-DNA position 3401, A replaced by C.
Protein change: p.Gln1134Pro; replaces glutamine 1134 with proline.
Molecular consequence: missense variant.
Genome position (GRCh38, 1-based): chr6:7,579,591, A>C. VCF-style: chr6-7579591-A-C. GRCh37 (hg19) VCF-style: chr6-7579824-A-C.
Other names: c.3401A>C, p.Gln1134Pro (NM_001008844.3, NM_001319034.2); short protein forms Q1134P.
Identifiers: ClinVar variation 1414716 (VCV001414716.9), dbSNP rs2113691687, ClinGen allele CA362683961.

ClinVar aggregate classification (germline): Uncertain significance. Review status: criteria provided, multiple submitters, no conflicts (2 of 4 stars). 2 submissions from 2 submitters: Uncertain significance (2). Last evaluated 2025-08-30.

Conditions:
Cardiomyopathy (CMYO). Also called: Cardiomyopathies. Identifiers: Orphanet 167848, MedGen C0878544, MONDO:0004994, HP:0001638. Inheritance: Various modes of inheritance.
Arrhythmogenic cardiomyopathy with wooly hair and keratoderma. Also called: PALMOPLANTAR KERATODERMA WITH LEFT VENTRICULAR CARDIOMYOPATHY AND WOOLLY HAIR; Carvajal syndrome; Dilated cardiomyopathy with woolly hair and keratoderma; Arrhythmogenic cardiomyopathy with woolly hair and keratoderma. Identifiers: Orphanet 65282, MedGen C1854063, MONDO:0011581, OMIM 605676.
Arrhythmogenic right ventricular dysplasia 8 (ARVD8). Also called: ARRHYTHMOGENIC RIGHT VENTRICULAR CARDIOMYOPATHY 8; ARRHYTHMOGENIC RIGHT VENTRICULAR DYSPLASIA, FAMILIAL, 8; Arrhythmogenic Right Ventricular Dysplasia/Cardiomyopathy 8. Identifiers: MedGen C1843896, MONDO:0011831, OMIM 607450.

Submissions (2):

Color Diagnostics, LLC DBA Color Health
Classification: Uncertain significance for Cardiomyopathy. Last evaluated: 2025-08-30. Review status: criteria provided, single submitter. Criteria: ACMG Guidelines, 2015. Collection method: clinical testing. Allele origin: germline.
Comment: This missense variant replaces glutamine with proline at codon 1134 of the DSP protein. Computational prediction suggests that this variant may not impact protein structure and function. To our knowledge, functional studies have not been reported for this variant. This variant has not been reported in individuals affected with DSP-related disorders in the literature. This variant has not been identified in the general population by the Genome Aggregation Database (gnomAD). The available evidence is insufficient to determine the role of this variant in disease conclusively. Therefore, this variant is classified as a Variant of Uncertain Significance.

Labcorp Genetics (formerly Invitae), Labcorp
Classification: Uncertain significance for Arrhythmogenic cardiomyopathy with wooly hair and keratoderma; Arrhythmogenic right ventricular dysplasia 8. Last evaluated: 2021-05-03. Review status: criteria provided, single submitter. Criteria: Invitae Variant Classification Sherloc (09022015). Collection method: clinical testing. Allele origin: germline.
Comment: This sequence change replaces glutamine with proline at codon 1134 of the DSP protein (p.Gln1134Pro). The glutamine residue is moderately conserved and there is a moderate physicochemical difference between glutamine and proline. This variant is not present in population databases (ExAC no frequency). This variant has not been reported in the literature in individuals with DSP-related conditions. Algorithms developed to predict the effect of missense changes on protein structure and function are either unavailable or do not agree on the potential impact of this missense change (SIFT: "Tolerated"; PolyPhen-2: "Probably Damaging"; Align-GVGD: "Class C0"). In summary, the available evidence is currently insufficient to determine the role of this variant in disease. Therefore, it has been classified as a Variant of Uncertain Significance.